The following is an entry in ClinVar:

NM_025179.4(PLXNA2):c.4527C>T (p.Asn1509=)

Gene: PLXNA2 (plexin A2; minus strand). Cytogenetic location: 1q32.2.
Variant type: single nucleotide variant.
Coding change: c.4527C>T on transcript NM_025179.4 (MANE Select); coding-DNA position 4527, C replaced by T.
Protein change: p.Asn1509=; no amino-acid change (asparagine 1509 retained).
Molecular consequence: synonymous variant.
Genome position (GRCh38, 1-based): chr1:208,038,958, G>A on the plus strand (C>T on the coding strand, the complement: PLXNA2 is on the minus strand). VCF-style: chr1-208038958-G-A. GRCh37 (hg19) VCF-style: chr1-208212303-G-A.
Other names: c.4527C>T (NM_025179.3).
Identifiers: ClinVar variation 2076153 (VCV002076153.6), dbSNP rs1274126534, ClinGen allele CA422983468.

ClinVar aggregate classification (germline): Likely benign. Review status: criteria provided, single submitter (1 of 4 stars). 2 submissions from 2 submitters: Likely benign (1). 1 of the submissions does not count toward it. Last evaluated 2024-02-23.

Conditions:
PLXNA2-related disorder. Also called: PLXNA2-related condition.

Allele frequency attached by ClinVar (database versions not stated): TOPMed 0.00002; gnomAD 0.00003.
gnomAD v4.1: 123 of 1,613,856 alleles (0.0076%); highest among the groups gnomAD compares: Non-Finnish European, 0.01%; no homozygotes.

Submissions (2):

Labcorp Genetics (formerly Invitae), Labcorp
Classification: Likely benign. Last evaluated: 2024-02-23. Review status: criteria provided, single submitter. Criteria: Invitae Variant Classification Sherloc (09022015). Collection method: clinical testing. Allele origin: germline.

PreventionGenetics, part of Exact Sciences
Classification: Likely benign for PLXNA2-related condition. Last evaluated: 2022-08-25. Review status: no assertion criteria provided. Collection method: clinical testing. Allele origin: germline. Not counted in ClinVar's aggregate classification.
Comment: This variant is classified as likely benign based on ACMG/AMP sequence variant interpretation guidelines (Richards et al. 2015 PMID: 25741868, with internal and published modifications).